The following is an entry in ClinVar:

NM_000452.3(SLC10A2):c.304A>G (p.Ile102Val)

Gene: SLC10A2 (solute carrier family 10 member 2; minus strand). Cytogenetic location: 13q33.1.
Variant type: single nucleotide variant.
Coding change: c.304A>G on transcript NM_000452.3 (MANE Select); coding-DNA position 304, A replaced by G.
Protein change: p.Ile102Val; replaces isoleucine 102 with valine.
Molecular consequence: missense variant.
Genome position (GRCh38, 1-based): chr13:103,065,946, T>C on the plus strand (A>G on the coding strand, the complement: SLC10A2 is on the minus strand). VCF-style: chr13-103065946-T-C. GRCh37 (hg19) VCF-style: chr13-103718296-T-C.
Other names: short protein forms I102V.
Identifiers: ClinVar variation 1975000 (VCV001975000.5), dbSNP rs199722631, ClinGen allele CA7042288.

ClinVar aggregate classification (germline): Uncertain significance (1 of 4 stars; one submission).

Allele frequency attached by ClinVar (database versions not stated): gnomAD exomes below 0.00001; ExAC 0.00001.
gnomAD v4.1: 3 of 1,614,190 alleles (0.00019%); highest among the groups gnomAD compares: Non-Finnish European, 0.00025%; no homozygotes.

Submission:

Labcorp Genetics (formerly Invitae), Labcorp
Classification: Uncertain significance. Last evaluated: 2022-06-07. Review status: criteria provided, single submitter. Criteria: Invitae Variant Classification Sherloc (09022015). Collection method: clinical testing. Allele origin: germline.
Comment: Algorithms developed to predict the effect of missense changes on protein structure and function are either unavailable or do not agree on the potential impact of this missense change (SIFT: "Deleterious"; PolyPhen-2: "Benign"; Align-GVGD: "Class C0"). This sequence change replaces isoleucine, which is neutral and non-polar, with valine, which is neutral and non-polar, at codon 102 of the SLC10A2 protein (p.Ile102Val). This variant is present in population databases (rs199722631, gnomAD 0.0009%). This variant has not been reported in the literature in individuals affected with SLC10A2-related conditions. In summary, the available evidence is currently insufficient to determine the role of this variant in disease. Therefore, it has been classified as a Variant of Uncertain Significance.